The following is an entry in ClinVar:

ClinVar aggregate classification (germline): Likely benign (0 of 4 stars; one submission).

Conditions:
TBR1-related disorder. Also called: TBR1-related condition.

Submission:

PreventionGenetics, part of Exact Sciences
Classification: Likely benign for TBR1-related condition. Last evaluated: 2022-04-06. Review status: no assertion criteria provided. Collection method: clinical testing. Allele origin: germline.
Comment: This variant is classified as likely benign based on ACMG/AMP sequence variant interpretation guidelines (Richards et al. 2015 PMID: 25741868, with internal and published modifications).

NM_006593.4(TBR1):c.*3C>G

Gene: TBR1 (T-box brain transcription factor 1; plus strand). Cytogenetic location: 2q24.2.
Variant type: single nucleotide variant.
Coding change: c.*3C>G on transcript NM_006593.4 (MANE Select); 3 bases downstream of the stop codon, C replaced by G.
Molecular consequence: 3 prime UTR variant.
Genome position (GRCh38, 1-based): chr2:161,424,230, C>G. VCF-style: chr2-161424230-C-G. GRCh37 (hg19) VCF-style: chr2-162280741-C-G.
Identifiers: ClinVar variation 3043904 (VCV003043904.2), dbSNP rs1684285323, ClinGen allele CA429731286.